The following is an entry in ClinVar:

NM_001110354.2(ZP3):c.140A>G (p.Gln47Arg)

Gene: ZP3 (zona pellucida glycoprotein 3; plus strand). Cytogenetic location: 7q11.23.
Variant type: single nucleotide variant.
Coding change: c.140A>G on transcript NM_001110354.2 (MANE Select); coding-DNA position 140, A replaced by G.
Protein change: p.Gln47Arg; replaces glutamine 47 with arginine.
Molecular consequence: missense variant. On other transcripts: 5 prime UTR variant (1).
Genome position (GRCh38, 1-based): chr7:76,425,104, A>G. VCF-style: chr7-76425104-A-G. GRCh37 (hg19) VCF-style: chr7-76054421-A-G.
Other names: c.-14A>G (NM_007155.6); c.140A>G (NM_001110354.1); short protein forms Q47R.
Identifiers: ClinVar variation 3250891 (VCV003250891.19), dbSNP rs768063875.

ClinVar aggregate classification (germline): Likely benign. Review status: criteria provided, multiple submitters, no conflicts (2 of 4 stars). 2 submissions from 2 submitters: Likely benign (2). Last evaluated 2025-08-09.

Allele frequency attached by ClinVar (database versions not stated): ExAC 0.00002.
gnomAD v4.1: 21 of 1,613,796 alleles (0.0013%); highest among the groups gnomAD compares: African/African-American, 0.019%; no homozygotes.

Submissions (2):

Ambry Genetics
Classification: Likely benign. Last evaluated: 2025-08-09. Review status: criteria provided, single submitter. Criteria: Ambry Variant Classification Scheme 2023. Collection method: clinical testing. Allele origin: germline.

CeGaT Center for Human Genetics Tuebingen
Classification: Likely benign. Last evaluated: 2024-06-01. Review status: criteria provided, single submitter. Criteria: CeGaT Center For Human Genetics Tuebingen Variant Classification Criteria Version 2. Collection method: clinical testing. Allele origin: germline. Affected: yes. Observed: 1 variant allele.
Comment: ZP3: BP4